The following is an entry in ClinVar:

NM_001330288.2(SMARCC2):c.3211G>T (p.Val1071Phe)

Gene: SMARCC2 (SWI/SNF related BAF chromatin remodeling complex subunit C2; minus strand). Cytogenetic location: 12q13.2.
Variant type: single nucleotide variant.
Coding change: c.3211G>T on transcript NM_001330288.2 (MANE Select); coding-DNA position 3211, G replaced by T.
Protein change: p.Val1071Phe; replaces valine 1071 with phenylalanine.
Molecular consequence: missense variant.
Genome position (GRCh38, 1-based): chr12:56,165,339, C>A on the plus strand (G>T on the coding strand, the complement: SMARCC2 is on the minus strand). VCF-style: chr12-56165339-C-A. GRCh37 (hg19) VCF-style: chr12-56559123-C-A.
Other names: c.3211G>T, p.Val1071Phe (NM_001130420.3, NM_139067.4); c.3118G>T, p.Val1040Phe (NM_003075.5); short protein forms V1040F, V1071F.
Identifiers: ClinVar variation 3897457 (VCV003897457.7).

ClinVar aggregate classification (germline): Conflicting classifications of pathogenicity. Review status: criteria provided, conflicting classifications (1 of 4 stars). 3 submissions from 3 submitters: Uncertain significance (2); Likely benign (1). Last evaluated 2026-08-04.

Conditions:
Inborn genetic diseases. Identifiers: MedGen C0950123, MeSH D030342.

gnomAD v4.1: 7 of 1,498,862 alleles (0.00047%); highest among the groups gnomAD compares: Non-Finnish European, 0.00062%; no homozygotes.

Submissions (3):

Ambry Genetics
Classification: Uncertain significance for Inborn genetic diseases. Last evaluated: 2026-08-04. Review status: criteria provided, single submitter. Criteria: Ambry Variant Classification Scheme 2023. Collection method: clinical testing. Allele origin: germline.

CeGaT Center for Human Genetics Tuebingen
Classification: Likely benign. Last evaluated: 2025-12-01. Review status: criteria provided, single submitter. Criteria: CeGaT Center For Human Genetics Tuebingen Variant Classification Criteria Version 2. Collection method: clinical testing. Allele origin: germline. Affected: yes. Observed: 1 variant allele.
Comment: SMARCC2: BP4

GeneDx
Classification: Uncertain significance. Last evaluated: 2024-10-29. Review status: criteria provided, single submitter. Criteria: GeneDx Variant Classification Process June 2021. Collection method: clinical testing. Allele origin: germline. Affected: yes.
Comment: Not observed at significant frequency in large population cohorts (gnomAD); In silico analysis indicates that this missense variant does not alter protein structure/function; Has not been previously published as pathogenic or benign to our knowledge